The following is an entry in ClinVar:

ClinVar aggregate classification (germline): Conflicting classifications of pathogenicity. Review status: criteria provided, conflicting classifications (1 of 4 stars). 3 submissions from 3 submitters: Uncertain significance (1); Likely benign (2). Last evaluated 2024-10-29.

Conditions:
Metachromatic leukodystrophy (MLD). Also called: Cerebral sclerosis diffuse metachromatic form; Arylsulfatase A Deficiency; ARSA DEFICIENCY; CEREBROSIDE SULFATASE DEFICIENCY; METACHROMATIC LEUKOENCEPHALOPATHY; SULFATIDE LIPIDOSIS. Identifiers: Orphanet 512, MedGen C0023522, MONDO:0018868, OMIM 250100.

Allele frequency attached by ClinVar (database versions not stated): gnomAD exomes 0.00022 and 0.00045; TOPMed 0.00027; gnomAD 0.00029 and 0.00031; ESP Exome Variant Server 0.00033; ExAC 0.00189.
gnomAD v4.1: 363 of 1,531,364 alleles (0.024%); highest among the groups gnomAD compares: Non-Finnish European, 0.0059%; 2 homozygotes.

Submissions (3):

Mayo Clinic Laboratories, Mayo Clinic
Classification: Likely benign. Last evaluated: 2024-10-29. Review status: criteria provided, single submitter. Criteria: ACMG Guidelines, 2015. Collection method: clinical testing. Allele origin: germline. Observed: 1 variant allele.
Comment: BS1, BP4, BP7

Illumina Laboratory Services, Illumina
Classification: Uncertain significance for Metachromatic leukodystrophy. Last evaluated: 2017-04-27. Review status: criteria provided, single submitter. Criteria: ICSL Variant Classification Criteria 13 December 2019. Collection method: clinical testing. Allele origin: germline.

GeneDx
Classification: Likely benign. Last evaluated: 2017-02-03. Review status: criteria provided, single submitter. Criteria: GeneDx Variant Classification Process June 2021. Collection method: clinical testing. Allele origin: germline. Affected: yes.

NM_000487.6(ARSA):c.*15G>A

Gene: ARSA (arylsulfatase A; minus strand). Cytogenetic location: 22q13.33.
Variant type: single nucleotide variant.
Coding change: c.*15G>A on transcript NM_000487.6 (MANE Select); 15 bases downstream of the stop codon, G replaced by A.
Molecular consequence: 3 prime UTR variant.
Genome position (GRCh38, 1-based): chr22:50,625,130, C>T on the plus strand (G>A on the coding strand, the complement: ARSA is on the minus strand). VCF-style: chr22-50625130-C-T. GRCh37 (hg19) VCF-style: chr22-51063558-C-T.
Other names: c.*15G>A (NM_001085425.3, NM_001085426.3, NM_001085427.3 and 2 more transcripts).
Identifiers: ClinVar variation 900839 (VCV000900839.7), dbSNP rs377187248, ClinGen allele CA10324710.